The following is an entry in ClinVar:

ClinVar aggregate classification (germline): Benign. Review status: criteria provided, multiple submitters, no conflicts (2 of 4 stars). 3 submissions from 3 submitters: Benign (3). Last evaluated 2026-09-01.

Allele frequency attached by ClinVar (database versions not stated): 1000 Genomes Project 0.00280; 1000 Genomes Project 30x 0.00297; TOPMed 0.00816; gnomAD exomes 0.00884 and 0.01135; ExAC 0.00891; gnomAD 0.00932 and 0.00968; ESP Exome Variant Server 0.01053.
gnomAD v4.1: 17,941 of 1,614,056 alleles (1.1%); highest among the groups gnomAD compares: Non-Finnish European, 1.3%; 115 homozygotes.

Submissions (3):

CeGaT Center for Human Genetics Tuebingen
Classification: Benign. Last evaluated: 2026-09-01. Review status: criteria provided, single submitter. Criteria: CeGaT Center For Human Genetics Tuebingen Variant Classification Criteria Version 2. Collection method: clinical testing. Allele origin: germline. Affected: yes. Observed: 90 variant alleles.
Comment: RHOBTB2: BP4, BP7, BS1, BS2

Labcorp Genetics (formerly Invitae), Labcorp
Classification: Benign. Last evaluated: 2026-02-02. Review status: criteria provided, single submitter. Criteria: Invitae Variant Classification Sherloc (09022015). Collection method: clinical testing. Allele origin: germline.

Breakthrough Genomics
Classification: Benign. Review status: criteria provided, single submitter. Criteria: ACMG Guidelines, 2015. Collection method: not provided. Allele origin: germline. Inheritance: Autosomal dominant inheritance. Affected: yes.

NM_015178.3(RHOBTB2):c.438C>T (p.Tyr146=)

Gene: RHOBTB2 (Rho related BTB domain containing 2; plus strand). Cytogenetic location: 8p21.3.
Variant type: single nucleotide variant.
Coding change: c.438C>T on transcript NM_015178.3 (MANE Select); coding-DNA position 438, C replaced by T.
Protein change: p.Tyr146=; no amino-acid change (tyrosine 146 retained).
Molecular consequence: synonymous variant.
Genome position (GRCh38, 1-based): chr8:23,006,101, C>T. VCF-style: chr8-23006101-C-T. GRCh37 (hg19) VCF-style: chr8-22863614-C-T.
Other names: c.504C>T, p.Tyr168= (NM_001160036.2); c.459C>T, p.Tyr153= (NM_001160037.2); c.438C>T, p.Tyr146= (NM_001374791.1).
Identifiers: ClinVar variation 782951 (VCV000782951.41), dbSNP rs139953909, ClinGen allele CA4672451.